The following is an entry in ClinVar:

NC_000005.9:g.(?_1253833)_(1255536_?)dup

Gene: TERT (telomerase reverse transcriptase; minus strand). Cytogenetic location: 5p15.33.
Variant type: Duplication.
Identifiers: ClinVar variation 665035 (VCV000665035.2).

ClinVar aggregate classification (germline): Uncertain significance. Review status: criteria provided, single submitter (1 of 4 stars). 2 submissions from 1 submitter: Uncertain significance (2). Last evaluated 2022-11-22.

Conditions:
Idiopathic Pulmonary Fibrosis. Also called: Idiopathic fibrosing alveolitis, chronic form; idiopathic fibrosing alveolitis. Identifiers: Orphanet 2032, MedGen C1800706, MeSH D054990, MONDO:0800504.
Dyskeratosis congenita, autosomal dominant 2. Identifiers: MedGen C3151443, MONDO:0013521, OMIM 613989.
Interstitial lung disease 2 (ILD2). Also called: Familial idiopathic pulmonary fibrosis; FIBROCYSTIC PULMONARY DYSPLASIA; FIBROSING ALVEOLITIS, CRYPTOGENIC. Identifiers: Orphanet 2032, Orphanet 79126, MedGen C5561926, MONDO:0800497, OMIM 178500, MONDO:0800029.

Submissions (2):

Labcorp Genetics (formerly Invitae), Labcorp
Classification: Uncertain significance for Dyskeratosis congenita, autosomal dominant 2; Idiopathic Pulmonary Fibrosis. Last evaluated: 2022-11-22. Review status: criteria provided, single submitter. Criteria: Invitae Variant Classification Sherloc (09022015). Collection method: clinical testing. Allele origin: unknown.
Comment: This variant results in a copy number gain of the genomic region encompassing exon(s) 14-16 of the TERT gene. This region includes the termination codon of the gene. This copy number gain extends beyond the assayed region for this gene and therefore may encompass additional genes. As the precise location of this event is unknown, it may be in tandem or it may be located elsewhere in the genome. In summary, the available evidence is currently insufficient to determine the role of this variant in disease. Therefore, it has been classified as a Variant of Uncertain Significance. Experimental studies and prediction algorithms are not available or were not evaluated, and the functional significance of this variant is currently unknown. This variant has not been reported in the literature in individuals affected with TERT-related conditions.

Labcorp Genetics (formerly Invitae), Labcorp
Classification: Uncertain significance for Dyskeratosis congenita, autosomal dominant, 2; Idiopathic fibrosing alveolitis, chronic form. Last evaluated: 2019-01-04. Review status: criteria provided, single submitter. Criteria: Invitae Variant Classification Sherloc (09022015). Collection method: clinical testing. Allele origin: germline.
Comment: This variant results in a copy number gain of the genomic region encompassing exons 14-16 of the TERT gene. The 5' boundary is likely confined to intron 13. The 3' end of this event is unknown as it extends beyond the assayed region for this gene and therefore may encompass additional genes. As the precise location of this event is unknown, it may be in tandem or it may be located elsewhere in the genome. This variant has not been reported in the literature in individuals with TERT-related conditions. In summary, the available evidence is currently insufficient to determine the role of this variant in disease. Therefore, it has been classified as a Variant of Uncertain Significance.